The following is an entry in ClinVar:

ClinVar aggregate classification (germline): Benign. Review status: criteria provided, multiple submitters, no conflicts (2 of 4 stars). 5 submissions from 5 submitters: Benign (4). 1 of the submissions does not count toward it. Last evaluated 2026-02-03.

Conditions:
DNAH9-related disorder. Also called: DNAH9-related condition.

Allele frequency attached by ClinVar (database versions not stated): 1000 Genomes Project 30x 0.02311; TOPMed 0.03073; ESP Exome Variant Server 0.03345; gnomAD 0.03091 and 0.03069; ExAC 0.03513; gnomAD exomes 0.03466 and 0.03947; 1000 Genomes Project 0.02336.

Submissions (5):

Labcorp Genetics (formerly Invitae), Labcorp
Classification: Benign. Last evaluated: 2026-02-03. Review status: criteria provided, single submitter. Criteria: Invitae Variant Classification Sherloc (09022015). Collection method: clinical testing. Allele origin: germline.

Mayo Clinic Laboratories, Mayo Clinic
Classification: Benign. Last evaluated: 2022-04-26. Review status: criteria provided, single submitter. Criteria: ACMG Guidelines, 2015. Collection method: clinical testing. Allele origin: germline. Observed: 14 variant alleles.

GeneDx
Classification: Benign. Last evaluated: 2021-05-04. Review status: criteria provided, single submitter. Criteria: GeneDx Variant Classification Process June 2021. Collection method: clinical testing. Allele origin: germline. Affected: yes.

Breakthrough Genomics
Classification: Benign. Review status: criteria provided, single submitter. Criteria: ACMG Guidelines, 2015. Collection method: not provided. Allele origin: germline. Inheritance: Autosomal recessive inheritance. Affected: yes.

PreventionGenetics, part of Exact Sciences
Classification: Benign for DNAH9-related condition. Last evaluated: 2019-05-22. Review status: no assertion criteria provided. Collection method: clinical testing. Allele origin: germline. Not counted in ClinVar's aggregate classification.
Comment: This variant is classified as benign based on ACMG/AMP sequence variant interpretation guidelines (Richards et al. 2015 PMID: 25741868, with internal and published modifications).

NM_001372.4(DNAH9):c.452G>A (p.Arg151His)

Gene: DNAH9 (dynein axonemal heavy chain 9; plus strand). Cytogenetic location: 17p12.
Variant type: single nucleotide variant.
Coding change: c.452G>A on transcript NM_001372.4 (MANE Select); coding-DNA position 452, G replaced by A.
Protein change: p.Arg151His; replaces arginine 151 with histidine.
Molecular consequence: missense variant.
Genome position (GRCh38, 1-based): chr17:11,608,163, G>A. VCF-style: chr17-11608163-G-A. GRCh37 (hg19) VCF-style: chr17-11511480-G-A.
Other names: p.Arg151His; short protein forms R151H.
Identifiers: ClinVar variation 1294731 (VCV001294731.13), dbSNP rs17599639, ClinGen allele CA8394540.